The following is an entry in ClinVar:

ClinVar aggregate classification (germline): Uncertain significance (1 of 4 stars; one submission).

Conditions:
Hereditary sensory and autonomic neuropathy type 6. Also called: HSAN VI; Neuropathy, hereditary sensory and autonomic, type VI. Identifiers: Orphanet 314381, MedGen C3539003, MONDO:0013839, OMIM 614653.
Epidermolysis bullosa simplex 3, localized or generalized intermediate, with BP230 deficiency (EBS3). Also called: Epidermolysis bullosa simplex, autosomal recessive 2; Epidermolysis bullosa simplex due to BP230 deficiency. Identifiers: Orphanet 412181, MedGen C3809470, MONDO:0014180, OMIM 615425.

Submission:

Labcorp Genetics (formerly Invitae), Labcorp
Classification: Uncertain significance for Epidermolysis bullosa simplex 3, localized or generalized intermediate, with BP230 deficiency; Hereditary sensory and autonomic neuropathy type 6. Last evaluated: 2024-01-31. Review status: criteria provided, single submitter. Criteria: Invitae Variant Classification Sherloc (09022015). Collection method: clinical testing. Allele origin: germline.
Comment: The DST gene has multiple clinically relevant transcripts. This variant occurs in alternate transcript NM_015548.4, and corresponds to NM_001723.5:c.*149456_*149458del in the primary transcript. This sequence change falls in intron 80 of the DST gene. It does not directly change the encoded amino acid sequence of the DST protein. This variant is present in population databases (rs748897258, gnomAD 0.04%). This variant has not been reported in the literature in individuals affected with DST-related conditions. Experimental studies and prediction algorithms are not available or were not evaluated, and the effect of this variant on mRNA splicing is currently unknown. In summary, the available evidence is currently insufficient to determine the role of this variant in disease. Therefore, it has been classified as a Variant of Uncertain Significance.

NM_001374736.1(DST):c.22687+17_22687+19del

Gene: DST (dystonin; minus strand). Cytogenetic location: 6p12.1.
Variant type: Deletion.
Coding change: c.22687+17_22687+19del on transcript NM_001374736.1 (MANE Select); bases 17 to 19 of the intron after coding-DNA position 22687, 3 bases deleted (CAT; older notation c.22687+17_22687+19delCAT).
Molecular consequence: intron variant.
Genome position (GRCh38, 1-based): chr6:56,466,059-56,466,061, ATG deleted on the plus strand (CAT on the coding strand, the reverse complement: DST is on the minus strand); deleting any 3 consecutive bases within chr6:56,466,059-56,466,063 gives the same sequence; the c. name uses the placement nearest the transcript's 3' end. VCF-style (leftmost placement, unchanged base first): chr6-56466058-CATG-C. GRCh37 (hg19) VCF-style: chr6-56330856-CATG-C.
Other names: c.16330+17_16330+19del (NM_001144769.5); c.22687+17_22687+19del (NM_001374722.1); c.22714+17_22714+19del (NM_001374734.1); c.15916+17_15916+19del (NM_001144770.2); c.15469+17_15469+19del (NM_001374730.1); c.15778+17_15778+19del (NM_001386100.1); c.15796+17_15796+19del (NM_183380.4); c.21727+17_21727+19del (NM_001374729.1); and 1 more.
Identifiers: ClinVar variation 2928248 (VCV002928248.3), dbSNP rs748897258, ClinGen allele CA3866212.